The following is an entry in ClinVar:

ClinVar aggregate classification (germline): Conflicting classifications of pathogenicity. Review status: criteria provided, conflicting classifications (1 of 4 stars). 5 submissions from 5 submitters: Uncertain significance (2); Likely benign (2). 1 of the submissions does not count toward it. Last evaluated 2026-01-20.

Conditions:
Retinitis pigmentosa (RP). Identifiers: Orphanet 791, MedGen C0035334, MeSH D012174, MONDO:0019200, OMIM 268000. Inheritance: Autosomal dominant, autosomal recessive and X linked inheritance.
EYS-related disorder. Also called: EYS-related condition.
Autosomal recessive retinitis pigmentosa. Identifiers: MedGen C0339526.

Allele frequency attached by ClinVar (database versions not stated): ExAC 0.00120; TOPMed 0.00001; 1000 Genomes Project 30x 0.00031; 1000 Genomes Project 0.00040.
gnomAD v4.1: 244 of 1,550,710 alleles (0.016%); highest among the groups gnomAD compares: South Asian, 0.28%; 1 homozygote.

Submissions (5):

Labcorp Genetics (formerly Invitae), Labcorp
Classification: Likely benign. Last evaluated: 2026-01-20. Review status: criteria provided, single submitter. Criteria: Invitae Variant Classification Sherloc (09022015). Collection method: clinical testing. Allele origin: germline.

PreventionGenetics, part of Exact Sciences
Classification: Likely benign for EYS-related condition. Last evaluated: 2025-02-14. Review status: criteria provided, single submitter. Criteria: ACMG Guidelines, 2015. Collection method: clinical testing. Allele origin: germline.
Comment: This variant is classified as likely benign based on ACMG/AMP sequence variant interpretation guidelines (Richards et al. 2015 PMID: 25741868, with internal and published modifications).

Blueprint Genetics
Classification: Uncertain significance. Last evaluated: 2024-05-16. Review status: criteria provided, single submitter. Criteria: ACMG Guidelines, 2015. Collection method: clinical testing. Allele origin: germline.

Illumina Laboratory Services, Illumina
Classification: Uncertain significance for Retinitis pigmentosa. Last evaluated: 2018-01-13. Review status: criteria provided, single submitter. Criteria: ICSL Variant Classification Criteria 13 December 2019. Collection method: clinical testing. Allele origin: germline.

Natera, Inc.
Classification: Uncertain significance for Autosomal recessive retinitis pigmentosa. Last evaluated: 2020-09-13. Review status: no assertion criteria provided. Collection method: clinical testing. Allele origin: germline. Not counted in ClinVar's aggregate classification.

NM_001142800.2(EYS):c.5600C>T (p.Ser1867Phe)

Gene: EYS (EGF-like photoreceptor maintenance factor; minus strand). Cytogenetic location: 6q12.
Variant type: single nucleotide variant.
Coding change: c.5600C>T on transcript NM_001142800.2 (MANE Select); coding-DNA position 5600, C replaced by T.
Protein change: p.Ser1867Phe; replaces serine 1867 with phenylalanine.
Molecular consequence: missense variant.
Genome position (GRCh38, 1-based): chr6:64,590,267, G>A on the plus strand (C>T on the coding strand, the complement: EYS is on the minus strand). VCF-style: chr6-64590267-G-A. GRCh37 (hg19) VCF-style: chr6-65300160-G-A.
Other names: c.5600C>T, p.Ser1867Phe (NM_001292009.2); short protein forms S1867F.
Identifiers: ClinVar variation 760696 (VCV000760696.17), dbSNP rs542339299, ClinGen allele CA3877007.